The following is an entry in ClinVar:

NM_000080.4(CHRNE):c.803-1G>T

Genes: C17orf107 (chromosome 17 open reading frame 107; plus strand), CHRNE (cholinergic receptor nicotinic epsilon subunit; minus strand). Cytogenetic location: 17p13.2.
Variant type: single nucleotide variant.
Coding change: c.803-1G>T on transcript NM_000080.4 (MANE Select); the canonical splice acceptor site of the intron before coding-DNA position 803, G replaced by T.
Molecular consequence: splice acceptor variant. On other transcripts: 3 prime UTR variant (1).
Genome position (GRCh38, 1-based): chr17:4,900,908, C>A on the plus strand (G>T on the coding strand, the complement: CHRNE is on the minus strand). VCF-style: chr17-4900908-C-A. GRCh37 (hg19) VCF-style: chr17-4804203-C-A.
Other names: c.*375C>A (NM_001145536.2).
Identifiers: ClinVar variation 2785954 (VCV002785954.3), dbSNP rs2507553591, ClinGen allele CA397304672.

ClinVar aggregate classification (germline): Likely pathogenic (1 of 4 stars; one submission).

Conditions:
Congenital myasthenic syndrome 4A. Also called: Myasthenic syndrome, congenital, 4a, slow-channel; CONGENITAL MYASTHENIC SYNDROME TYPE Ia1; MYASTHENIC SYNDROME, CONGENITAL, 4A, SLOW-CHANNEL, AUTOSOMAL RECESSIVE. Identifiers: Orphanet 590, MedGen C4225413, MONDO:0011600, OMIM 605809.

Submission:

Labcorp Genetics (formerly Invitae), Labcorp
Classification: Likely pathogenic for Congenital myasthenic syndrome 4A. Last evaluated: 2023-01-17. Review status: criteria provided, single submitter. Criteria: Invitae Variant Classification Sherloc (09022015). Collection method: clinical testing. Allele origin: germline.
Comment: In summary, the currently available evidence indicates that the variant is pathogenic, but additional data are needed to prove that conclusively. Therefore, this variant has been classified as Likely Pathogenic. Algorithms developed to predict the effect of sequence changes on RNA splicing suggest that this variant may disrupt the consensus splice site. This variant has not been reported in the literature in individuals affected with CHRNE-related conditions. This variant is not present in population databases (gnomAD no frequency). This sequence change affects an acceptor splice site in intron 7 of the CHRNE gene. It is expected to disrupt RNA splicing. Variants that disrupt the donor or acceptor splice site typically lead to a loss of protein function (PMID: 16199547), and loss-of-function variants in CHRNE are known to be pathogenic (PMID: 22678886).

Literature cited by the submitters: PubMed 16199547; PubMed 22678886.